The following is an entry in ClinVar:

NM_000059.4(BRCA2):c.2775dup (p.Thr926fs)

Gene: BRCA2 (BRCA2 DNA repair associated; plus strand). Cytogenetic location: 13q13.1.
Variant type: Duplication.
Coding change: c.2775dup on transcript NM_000059.4 (MANE Select); coding-DNA position 2775, one base duplicated (T; older notation c.2775dupT).
Protein change: p.Thr926fs; shifts the reading frame from threonine 926.
Molecular consequence: frameshift variant.
Genome position (GRCh38, 1-based): chr13:32,337,130, T duplicated. VCF-style (leftmost placement, unchanged base first): chr13-32337129-C-CT. GRCh37 (hg19) VCF-style: chr13-32911266-C-CT.
Other names: 3002insT (Stop 935); short protein forms T926fs.
Identifiers: ClinVar variation 266721 (VCV000266721.5), dbSNP rs886040447, ClinGen allele CA10589173.

ClinVar aggregate classification (germline): Pathogenic. Review status: reviewed by expert panel (3 of 4 stars). 2 submissions from 2 submitters: Pathogenic (1). 1 of the submissions does not count toward it. Last evaluated 2016-10-18.

Conditions:
Breast-ovarian cancer, familial, susceptibility to, 2 (BROVCA2). Also called: BRCA2 Hereditary Breast and Ovarian Cancer. Identifiers: Orphanet 145, MedGen C2675520, MONDO:0012933, OMIM 612555. Disease mechanism: loss of function.

Submissions (2):

Evidence-based Network for the Interpretation of Germline Mutant Alleles (ENIGMA)
Classification: Pathogenic for Breast-ovarian cancer, familial, susceptibility to, 2. Last evaluated: 2016-10-18. Review status: reviewed by expert panel. Criteria: ENIGMA BRCA1/2 Classification Criteria (2015). Collection method: curation. Allele origin: germline.
Comment: Variant allele predicted to encode a truncated non-functional protein.

Consortium of Investigators of Modifiers of BRCA1/2 (CIMBA), c/o University of Cambridge
Classification: Pathogenic for Breast-ovarian cancer, familial, susceptibility to, 2. Last evaluated: 2015-10-02. Review status: criteria provided, single submitter. Criteria: CIMBA Mutation Classification guidelines May 2016. Collection method: clinical testing. Allele origin: germline. Not counted in ClinVar's aggregate classification.